The following is an entry in ClinVar:

ClinVar aggregate classification (germline): Pathogenic (1 of 4 stars; one submission).

gnomAD v4.1: 1 of 1,540,150 alleles (0.000065%); highest among the groups gnomAD compares: Non-Finnish European, 0.000088%; no homozygotes.

Submission:

Labcorp Genetics (formerly Invitae), Labcorp
Classification: Pathogenic. Last evaluated: 2025-07-02. Review status: criteria provided, single submitter. Criteria: Invitae Variant Classification Sherloc (09022015). Collection method: clinical testing. Allele origin: germline.
Comment: This sequence change creates a premature translational stop signal (p.Gln3433*) in the ZNF469 gene. While this is not anticipated to result in nonsense mediated decay, it is expected to disrupt the last 493 amino acid(s) of the ZNF469 protein. This variant is not present in population databases (gnomAD no frequency). This variant has not been reported in the literature in individuals affected with ZNF469-related conditions. This variant disrupts a region of the ZNF469 protein in which other variant(s) (p.Pro3556Glnfs*136) have been determined to be pathogenic (PMID: 32671420). This suggests that this is a clinically significant region of the protein, and that variants that disrupt it are likely to be disease-causing. For these reasons, this variant has been classified as Pathogenic.

Literature cited by the submitters: PubMed 32671420.

NM_001367624.2(ZNF469):c.10381C>T (p.Gln3461Ter)

Gene: ZNF469 (zinc finger protein 469; plus strand). Cytogenetic location: 16q24.2.
Variant type: single nucleotide variant.
Coding change: c.10381C>T on transcript NM_001367624.2 (MANE Select); coding-DNA position 10381, C replaced by T.
Protein change: p.Gln3461Ter; replaces glutamine 3461 with a stop codon.
Molecular consequence: nonsense.
Genome position (GRCh38, 1-based): chr16:88,437,851, C>T. VCF-style: chr16-88437851-C-T. GRCh37 (hg19) VCF-style: chr16-88504259-C-T.
Other names: short protein forms Q3461*.
Identifiers: ClinVar variation 4809438 (VCV004809438.1).
Genomic context (GRCh38, chr16:88,437,851, plus strand): 5'-CTCAGGGGGGGGCGGCAGCCCTTCGCGTTCCGCGGCGTGCGGAGGCCGGGAGCGCCGGGA[C>T]AGAAGGCCCGGGCCCTCGAGGGCACACTGCCCAGCAAACGGCGCAGGGTGGCCATGCCCG-3'